The following is an entry in ClinVar:

ClinVar aggregate classification (germline): Uncertain significance. Review status: criteria provided, multiple submitters, no conflicts (2 of 4 stars). 2 submissions from 2 submitters: Uncertain significance (2). Last evaluated 2022-04-23.

Conditions:
Cardiovascular phenotype. Identifiers: MedGen CN230736.
Congenital primary aphakia. Also called: Anterior segment dysgenesis 2, multiple subtypes; ANTERIOR SEGMENT DYSGENESIS 2. Identifiers: Orphanet 83461, MedGen C1853230, MONDO:0012456, OMIM 610256.
Anterior segment dysgenesis. Also called: Ocular anterior segment dysgenesis. Identifiers: Orphanet 88632, MedGen C1862839, MONDO:0019503, HP:0007700.

Allele frequency attached by ClinVar (database versions not stated): gnomAD 0.00001; TOPMed 0.00001.

Submissions (2):

Ambry Genetics
Classification: Uncertain significance for Cardiovascular phenotype. Last evaluated: 2022-04-23. Review status: criteria provided, single submitter. Criteria: Ambry Variant Classification Scheme 2023. Collection method: clinical testing. Allele origin: germline.
Comment: The p.G49R variant (also known as c.145G>C), located in coding exon 1 of the FOXE3 gene, results from a G to C substitution at nucleotide position 145. The glycine at codon 49 is replaced by arginine, an amino acid with dissimilar properties. This amino acid position is conserved. In addition, this alteration is predicted to be tolerated by in silico analysis. Since supporting evidence is limited at this time, the clinical significance of this alteration remains unclear.

Labcorp Genetics (formerly Invitae), Labcorp
Classification: Uncertain significance for Anterior segment dysgenesis; Congenital primary aphakia. Last evaluated: 2019-06-21. Review status: criteria provided, single submitter. Criteria: Invitae Variant Classification Sherloc (09022015). Collection method: clinical testing. Allele origin: germline.
Comment: This sequence change replaces glycine with arginine at codon 49 of the FOXE3 protein (p.Gly49Arg). The glycine residue is moderately conserved and there is a moderate physicochemical difference between glycine and arginine. The frequency data for this variant in the population databases is considered unreliable, as metrics indicate insufficient coverage at this position in the ExAC database. This variant has not been reported in the literature in individuals with FOXE3-related conditions. Algorithms developed to predict the effect of missense changes on protein structure and function are either unavailable or do not agree on the potential impact of this missense change (SIFT: "Tolerated"; PolyPhen-2: "Probably Damaging"; Align-GVGD: "Class C0"). In summary, the available evidence is currently insufficient to determine the role of this variant in disease. Therefore, it has been classified as a Variant of Uncertain Significance.

NM_012186.3(FOXE3):c.145G>C (p.Gly49Arg)

Genes: LINC01389 (long independently transcribed non-coding RNA 1389; minus strand), FOXE3 (forkhead box E3; plus strand). Cytogenetic location: 1p33.
Variant type: single nucleotide variant.
Coding change: c.145G>C on transcript NM_012186.3 (MANE Select); coding-DNA position 145, G replaced by C.
Protein change: p.Gly49Arg; replaces glycine 49 with arginine.
Molecular consequence: missense variant.
Genome position (GRCh38, 1-based): chr1:47,416,460, G>C. VCF-style: chr1-47416460-G-C. GRCh37 (hg19) VCF-style: chr1-47882132-G-C.
Other names: short protein forms G49R.
Identifiers: ClinVar variation 952102 (VCV000952102.12), dbSNP rs958293767, ClinGen allele CA22068397.